The following is an entry in ClinVar:

NM_003640.5(ELP1):c.1263A>G (p.Pro421=)

Gene: ELP1 (elongator acetyltransferase complex subunit 1; minus strand). Cytogenetic location: 9q31.3.
Variant type: single nucleotide variant.
Coding change: c.1263A>G on transcript NM_003640.5 (MANE Select); coding-DNA position 1263, A replaced by G.
Protein change: p.Pro421=; no amino-acid change (proline 421 retained).
Molecular consequence: synonymous variant.
Genome position (GRCh38, 1-based): chr9:108,911,107, T>C on the plus strand (A>G on the coding strand, the complement: ELP1 is on the minus strand). VCF-style: chr9-108911107-T-C. GRCh37 (hg19) VCF-style: chr9-111673387-T-C.
Other names: c.921A>G, p.Pro307= (NM_001318360.2); c.216A>G, p.Pro72= (NM_001330749.2); c.1263A>G (NM_003640.4).
Identifiers: ClinVar variation 698168 (VCV000698168.16), dbSNP rs371100951, ClinGen allele CA5175067.
Genomic context (GRCh38, chr9:108,911,107, plus strand): 5'-AACAGCAAGGTCATTACTCTTTTGAGGGTGTGCTAAGAATGTGACTTGATTCACAGGGTG[T>C]GGGAACAGCAGTTGGTAGGTGCACATGGGAGGCGGAACCACAGTCTGCCGGAAGACTGTC-3'
Protein context (NP_003631.2, residues 411-431): PPMCTYQLLF[Pro421=]HPVNQVTFLA

ClinVar aggregate classification (germline): Likely benign. Review status: criteria provided, multiple submitters, no conflicts (2 of 4 stars). 5 submissions from 5 submitters: Likely benign (3). 2 of the submissions do not count toward it. Last evaluated 2026-02-04.

Conditions:
ELP1-related disorder. Also called: ELP1-related condition.
Familial dysautonomia. Also called: HSAN III; FD. Identifiers: Orphanet 1764, MedGen C0013364, MONDO:0009131, OMIM 223900. Disease mechanism: loss of function.
Medulloblastoma (MDB). Also called: MEDULLOBLASTOMA PREDISPOSITION SYNDROME; Medulloblastoma, somatic. Identifiers: Orphanet 616, MedGen C0025149, MeSH D008527, MONDO:0007959, OMIM 155255, HP:0002885.

Allele frequency attached by ClinVar (database versions not stated): gnomAD exomes below 0.00001 and 0.00001; ExAC 0.00001; gnomAD 0.00001; TOPMed 0.00001.
gnomAD v4.1: 8 of 1,614,066 alleles (0.0005%); highest among the groups gnomAD compares: Middle Eastern, 0.016%; no homozygotes.

Submissions (5):

Labcorp Genetics (formerly Invitae), Labcorp
Classification: Likely benign. Last evaluated: 2026-02-04. Review status: criteria provided, single submitter. Criteria: Invitae Variant Classification Sherloc (09022015). Collection method: clinical testing. Allele origin: germline.

Ambry Genetics
Classification: Likely benign. Last evaluated: 2022-11-04. Review status: criteria provided, single submitter. Criteria: Ambry Variant Classification Scheme 2023. Collection method: clinical testing. Allele origin: germline.

Fulgent Genetics
Classification: Likely benign for Medulloblastoma; Familial dysautonomia. Last evaluated: 2021-07-30. Review status: criteria provided, single submitter. Criteria: ACMG Guidelines, 2015. Collection method: clinical testing. Allele origin: unknown.

Natera, Inc.
Classification: Uncertain significance for Familial dysautonomia. Last evaluated: 2020-09-14. Review status: no assertion criteria provided. Collection method: clinical testing. Allele origin: germline. Not counted in ClinVar's aggregate classification.

PreventionGenetics, part of Exact Sciences
Classification: Likely benign for ELP1-related condition. Last evaluated: 2019-03-25. Review status: no assertion criteria provided. Collection method: clinical testing. Allele origin: germline. Not counted in ClinVar's aggregate classification.
Comment: This variant is classified as likely benign based on ACMG/AMP sequence variant interpretation guidelines (Richards et al. 2015 PMID: 25741868, with internal and published modifications).